The following is an entry in ClinVar:

ClinVar aggregate classification (germline): Benign. Review status: criteria provided, multiple submitters, no conflicts (2 of 4 stars). 3 submissions from 3 submitters: Benign (3). Last evaluated 2026-02-01.

Allele frequency attached by ClinVar (database versions not stated): 1000 Genomes Project 30x 0.00453; 1000 Genomes Project 0.00499; gnomAD 0.00581 and 0.00598; TOPMed 0.00607; ESP Exome Variant Server 0.00646; ExAC 0.00771; gnomAD exomes 0.00803 and 0.00894.
gnomAD v4.1: 14,022 of 1,614,244 alleles (0.87%); highest among the groups gnomAD compares: South Asian, 1.3%; 79 homozygotes.

Submissions (3):

CeGaT Center for Human Genetics Tuebingen
Classification: Benign. Last evaluated: 2026-02-01. Review status: criteria provided, single submitter. Criteria: CeGaT Center For Human Genetics Tuebingen Variant Classification Criteria Version 2. Collection method: clinical testing. Allele origin: germline. Affected: yes. Observed: 10 variant alleles.
Comment: EMILIN2: BP4, BP7, BS1, BS2

Labcorp Genetics (formerly Invitae), Labcorp
Classification: Benign. Last evaluated: 2019-12-31. Review status: criteria provided, single submitter. Criteria: Invitae Variant Classification Sherloc (09022015). Collection method: clinical testing. Allele origin: germline.

Breakthrough Genomics
Classification: Benign. Review status: criteria provided, single submitter. Criteria: ACMG Guidelines, 2015. Collection method: not provided. Allele origin: germline. Inheritance: Unknown mechanism. Affected: yes.

NM_032048.3(EMILIN2):c.1041G>A (p.Lys347=)

Gene: EMILIN2 (elastin microfibril interfacer 2; plus strand). Cytogenetic location: 18p11.32.
Variant type: single nucleotide variant.
Coding change: c.1041G>A on transcript NM_032048.3 (MANE Select); coding-DNA position 1041, G replaced by A.
Protein change: p.Lys347=; no amino-acid change (lysine 347 retained).
Molecular consequence: synonymous variant.
Genome position (GRCh38, 1-based): chr18:2,891,168, G>A. VCF-style: chr18-2891168-G-A. GRCh37 (hg19) VCF-style: chr18-2891166-G-A.
Identifiers: ClinVar variation 773335 (VCV000773335.29), dbSNP rs76428378, ClinGen allele CA8872113.